The following is an entry in ClinVar:

NM_001164508.2(NEB):c.21417+3A>T

Genes: NEB (nebulin; minus strand), RIF1 (replication timing regulatory factor 1; plus strand). Cytogenetic location: 2q23.3.
Variant type: single nucleotide variant.
Coding change: c.21417+3A>T on transcript NM_001164508.2 (MANE Select); 3 bases into the intron after coding-DNA position 21417, A replaced by T.
Molecular consequence: intron variant.
Genome position (GRCh38, 1-based): chr2:151,533,439, T>A on the plus strand (A>T on the coding strand, the complement: NEB is on the minus strand). VCF-style: chr2-151533439-T-A. GRCh37 (hg19) VCF-style: chr2-152389953-T-A.
Other names: c.16314+776A>T (NM_004543.5); c.21417+776A>T (NM_001164507.2); c.21522+3A>T (NM_001271208.2).
Identifiers: ClinVar variation 2160710 (VCV002160710.4), dbSNP rs148950085, ClinGen allele CA2580063881.
Genomic context (GRCh38, chr2:151,533,439, plus strand): 5'-ATACAAGGGAATGCATCCAAGACTTCTTCTAAACCTCCTTCTTCACATCCCATCAGACAT[T>A]ACCTGGCTCCACATATGCGAATTGTAGAGAGCAGTCAACATATCTGGACGCAGAATTTCA-3'

ClinVar aggregate classification (germline): Uncertain significance (1 of 4 stars; one submission).

Conditions:
Nemaline myopathy 2 (NEM2). Also called: Nemaline myopathy 2, autosomal recessive. Identifiers: MedGen C1850569, MONDO:0009725, OMIM 256030.

Submission:

Labcorp Genetics (formerly Invitae), Labcorp
Classification: Uncertain significance for Nemaline myopathy 2. Last evaluated: 2023-04-14. Review status: criteria provided, single submitter. Criteria: Invitae Variant Classification Sherloc (09022015). Collection method: clinical testing. Allele origin: germline.
Comment: In summary, the available evidence is currently insufficient to determine the role of this variant in disease. Therefore, it has been classified as a Variant of Uncertain Significance. Variants that disrupt the consensus splice site are a relatively common cause of aberrant splicing (PMID: 17576681, 9536098). Algorithms developed to predict the effect of sequence changes on RNA splicing suggest that this variant may disrupt the consensus splice site. ClinVar contains an entry for this variant (Variation ID: 2160710). This variant has not been reported in the literature in individuals affected with NEB-related conditions. This variant is not present in population databases (gnomAD no frequency). This sequence change falls in intron 144 of the NEB gene. It does not directly change the encoded amino acid sequence of the NEB protein. It affects a nucleotide within the consensus splice site.

Literature cited by the submitters: PubMed 17576681; PubMed 9536098.